The following is an entry in ClinVar:

ClinVar aggregate classification (germline): Likely benign (1 of 4 stars; one submission).

Allele frequency attached by ClinVar (database versions not stated): gnomAD 0.00007; TOPMed 0.00008; gnomAD exomes 0.00014; 1000 Genomes Project 30x 0.00016; 1000 Genomes Project 0.00020; ExAC 0.00038.
gnomAD v4.1: 213 of 1,613,476 alleles (0.013%); highest among the groups gnomAD compares: South Asian, 0.15%; no homozygotes.

Submission:

CeGaT Center for Human Genetics Tuebingen
Classification: Likely benign. Last evaluated: 2025-02-01. Review status: criteria provided, single submitter. Criteria: CeGaT Center For Human Genetics Tuebingen Variant Classification Criteria Version 2. Collection method: clinical testing. Allele origin: germline. Affected: yes. Observed: 2 variant alleles.
Comment: CARS1: BP4, BP7

NM_001014437.3(CARS1):c.1611A>G (p.Gln537=)

Gene: CARS1 (cysteinyl-tRNA synthetase 1; minus strand). Cytogenetic location: 11p15.4.
Variant type: single nucleotide variant.
Coding change: c.1611A>G on transcript NM_001014437.3 (MANE Select); coding-DNA position 1611, A replaced by G.
Protein change: p.Gln537=; no amino-acid change (glutamine 537 retained).
Molecular consequence: synonymous variant. On other transcripts: non-coding transcript variant (4).
Genome position (GRCh38, 1-based): chr11:3,018,426, T>C on the plus strand (A>G on the coding strand, the complement: CARS1 is on the minus strand). VCF-style: chr11-3018426-T-C. GRCh37 (hg19) VCF-style: chr11-3039656-T-C.
Other names: c.1611A>G, p.Gln537= (NM_001194997.2); c.1401A>G, p.Gln467= (NM_001378136.1); c.1332A>G, p.Gln444= (NM_001378137.1, NM_001378138.1, NM_001378139.1); c.1086A>G, p.Gln362= (NM_001378140.1); c.1362A>G, p.Gln454= (NM_001751.6, NM_139273.4).
Identifiers: ClinVar variation 2641512 (VCV002641512.24), dbSNP rs571697572, ClinGen allele CA5823944.
Genomic context (GRCh38, chr11:3,018,426, plus strand): 5'-GAGGCTGCTCCACCAACCTCCAGGAAGGGGCTGGGGACTCACATTCAAGAACTTCTCATA[T>C]TGAAGCGCTGACTCCATGGTGTTGCTGGAGTAGTCCAGGGTGTCCTTCCACGAGTGCATG-3'
Protein context (NP_001014437.1, residues 527-547): YSSNTMESAL[Gln537=]YEKFLNEFFL